The following is an entry in ClinVar:

ClinVar aggregate classification (germline): Likely benign. Review status: criteria provided, multiple submitters, no conflicts (2 of 4 stars). 3 submissions from 3 submitters: Likely benign (2). 1 of the submissions does not count toward it. Last evaluated 2026-01-12.

Conditions:
DHX37-related disorder. Also called: DHX37-related condition; DHX37-Related Disorders.

Allele frequency attached by ClinVar (database versions not stated): gnomAD exomes 0.00013; ExAC 0.00017; gnomAD 0.00026; TOPMed 0.00026; 1000 Genomes Project 30x 0.00031; ESP Exome Variant Server 0.00046.
gnomAD v4.1: 239 of 1,611,376 alleles (0.015%); highest among the groups gnomAD compares: African/African-American, 0.043%; 1 homozygote.

Submissions (3):

Labcorp Genetics (formerly Invitae), Labcorp
Classification: Likely benign. Last evaluated: 2026-01-12. Review status: criteria provided, single submitter. Criteria: Invitae Variant Classification Sherloc (09022015). Collection method: clinical testing. Allele origin: germline.

CeGaT Center for Human Genetics Tuebingen
Classification: Likely benign. Last evaluated: 2025-01-01. Review status: criteria provided, single submitter. Criteria: CeGaT Center For Human Genetics Tuebingen Variant Classification Criteria Version 2. Collection method: clinical testing. Allele origin: germline. Affected: yes. Observed: 3 variant alleles.
Comment: DHX37: BP4, BP7

PreventionGenetics, part of Exact Sciences
Classification: Likely benign for DHX37-related condition. Last evaluated: 2019-12-11. Review status: no assertion criteria provided. Collection method: clinical testing. Allele origin: germline. Not counted in ClinVar's aggregate classification.
Comment: This variant is classified as likely benign based on ACMG/AMP sequence variant interpretation guidelines (Richards et al. 2015 PMID: 25741868, with internal and published modifications).

NM_032656.4(DHX37):c.816C>T (p.Ile272=)

Gene: DHX37 (DEAH-box helicase 37; minus strand). Cytogenetic location: 12q24.31.
Variant type: single nucleotide variant.
Coding change: c.816C>T on transcript NM_032656.4 (MANE Select); coding-DNA position 816, C replaced by T.
Protein change: p.Ile272=; no amino-acid change (isoleucine 272 retained).
Molecular consequence: synonymous variant.
Genome position (GRCh38, 1-based): chr12:124,977,413, G>A on the plus strand (C>T on the coding strand, the complement: DHX37 is on the minus strand). VCF-style: chr12-124977413-G-A. GRCh37 (hg19) VCF-style: chr12-125461959-G-A.
Other names: c.816C>T (NM_032656.3).
Identifiers: ClinVar variation 2150650 (VCV002150650.27), dbSNP rs149069975, ClinGen allele CA6872330.